The following is an entry in ClinVar:

NM_018062.4(FANCL):c.408C>G (p.Ile136Met)

Gene: FANCL (FA complementation group L; minus strand). Cytogenetic location: 2p16.1.
Variant type: single nucleotide variant.
Coding change: c.408C>G on transcript NM_018062.4 (MANE Select); coding-DNA position 408, C replaced by G.
Protein change: p.Ile136Met; replaces isoleucine 136 with methionine.
Molecular consequence: missense variant.
Genome position (GRCh38, 1-based): chr2:58,204,193, G>C on the plus strand (C>G on the coding strand, the complement: FANCL is on the minus strand). VCF-style: chr2-58204193-G-C. GRCh37 (hg19) VCF-style: chr2-58431328-G-C.
Other names: c.408C>G, p.Ile136Met (NM_001114636.2, NM_001374615.1, NM_001410792.1); short protein forms I136M.
Identifiers: ClinVar variation 1040692 (VCV001040692.6), dbSNP rs1389670408, ClinGen allele CA347034154.
Genomic context (GRCh38, chr2:58,204,193, plus strand): 5'-TGCCTTCAACTTGAGAGTGATTAAATGCTCTCTACCAGAAGCATCTTCTGCTTTTAACTT[G>C]ATGGTACTGAAGCAGGTATCCGCATACACAAGTCTGGTGAGCAGAGGAGAATAAAAAATG-3'
Protein context (NP_060532.2, residues 126-146): LVYADTCFST[Ile136Met]KLKAEDASGR

ClinVar aggregate classification (germline): Uncertain significance (1 of 4 stars; one submission).

Conditions:
Fanconi anemia (FA). Also called: Fanconi's anemia. Identifiers: Orphanet 84, MedGen C0015625, MeSH D005199, MONDO:0019391.

Allele frequency attached by ClinVar (database versions not stated): gnomAD exomes below 0.00001; TOPMed 0.00001.
gnomAD v4.1: 6 of 1,613,282 alleles (0.00037%); highest among the groups gnomAD compares: South Asian, 0.0011%; no homozygotes.

Submission:

Labcorp Genetics (formerly Invitae), Labcorp
Classification: Uncertain significance for Fanconi anemia. Last evaluated: 2022-02-05. Review status: criteria provided, single submitter. Criteria: Invitae Variant Classification Sherloc (09022015). Collection method: clinical testing. Allele origin: germline.
Comment: This sequence change replaces isoleucine, which is neutral and non-polar, with methionine, which is neutral and non-polar, at codon 136 of the FANCL protein (p.Ile136Met). This variant is present in population databases (no rsID available, gnomAD 0.0009%). This variant has not been reported in the literature in individuals affected with FANCL-related conditions. ClinVar contains an entry for this variant (Variation ID: 1040692). Algorithms developed to predict the effect of missense changes on protein structure and function are either unavailable or do not agree on the potential impact of this missense change (SIFT: "Deleterious"; PolyPhen-2: "Possibly Damaging"; Align-GVGD: "Class C0"). In summary, the available evidence is currently insufficient to determine the role of this variant in disease. Therefore, it has been classified as a Variant of Uncertain Significance.